The following is an entry in ClinVar:

NM_001037.5(SCN1B):c.471C>G (p.Ile157Met)

Gene: SCN1B (sodium voltage-gated channel beta subunit 1; plus strand). Cytogenetic location: 19q13.11.
Variant type: single nucleotide variant.
Coding change: c.471C>G on transcript NM_001037.5 (MANE Select); coding-DNA position 471, C replaced by G.
Protein change: p.Ile157Met; replaces isoleucine 157 with methionine.
Molecular consequence: missense variant.
Genome position (GRCh38, 1-based): chr19:35,039,139, C>G. VCF-style: chr19-35039139-C-G. GRCh37 (hg19) VCF-style: chr19-35530043-C-G.
Other names: c.372C>G, p.Ile124Met (NM_001321605.2); short protein forms I157M, I124M.
Identifiers: ClinVar variation 589148 (VCV000589148.15), dbSNP rs765269835, ClinGen allele CA405329941.

ClinVar aggregate classification (germline): Uncertain significance. Review status: criteria provided, multiple submitters, no conflicts (2 of 4 stars). 2 submissions from 2 submitters: Uncertain significance (2). Last evaluated 2025-12-22.

Conditions:
Cardiovascular phenotype. Identifiers: MedGen CN230736.
Brugada syndrome 5 (BRGDA5). Identifiers: Orphanet 130, Orphanet 871, MedGen C2748541, MONDO:0013015, OMIM 612838.

Submissions (2):

Ambry Genetics
Classification: Uncertain significance for Cardiovascular phenotype. Last evaluated: 2025-12-22. Review status: criteria provided, single submitter. Criteria: Ambry Variant Classification Scheme 2023. Collection method: clinical testing. Allele origin: germline.
Comment: The c.471C>G (p.I157M) alteration is located in exon 4 (coding exon 4) of the SCN1B gene. This alteration results from a C to G substitution at nucleotide position 471, causing the isoleucine (I) at amino acid position 157 to be replaced by a methionine (M). This variant was not reported in population-based cohorts in the Genome Aggregation Database (gnomAD). This amino acid position is highly conserved in available vertebrate species. This alteration is predicted to be deleterious by in silico analysis. Based on insufficient or conflicting evidence, the clinical significance of this alteration remains unclear.

Labcorp Genetics (formerly Invitae), Labcorp
Classification: Uncertain significance for Brugada syndrome 5. Last evaluated: 2025-02-24. Review status: criteria provided, single submitter. Criteria: Invitae Variant Classification Sherloc (09022015). Collection method: clinical testing. Allele origin: germline.
Comment: The SCN1B gene has multiple clinically relevant transcripts. This variant occurs in alternate transcript NM_001037.4, and corresponds to NM_199037.3:c.*5041C>G in the primary transcript. This sequence change replaces isoleucine, which is neutral and non-polar, with methionine, which is neutral and non-polar, at codon 157 of the SCN1B protein (p.Ile157Met). This variant is not present in population databases (gnomAD no frequency). This variant has not been reported in the literature in individuals affected with SCN1B-related conditions. Experimental studies and prediction algorithms are not available or were not evaluated, and the functional significance of this variant is currently unknown. In summary, the available evidence is currently insufficient to determine the role of this variant in disease. Therefore, it has been classified as a Variant of Uncertain Significance.